The following is an entry in ClinVar:

NM_032620.4(GTPBP3):c.665-39C>T

Gene: GTPBP3 (GTP binding protein 3, mitochondrial; plus strand). Cytogenetic location: 19p13.11.
Variant type: single nucleotide variant.
Coding change: c.665-39C>T on transcript NM_032620.4 (MANE Select); 39 bases into the intron before coding-DNA position 665, C replaced by T.
Molecular consequence: intron variant. On other transcripts: missense variant (1).
Genome position (GRCh38, 1-based): chr19:17,339,084, C>T. VCF-style: chr19-17339084-C-T. GRCh37 (hg19) VCF-style: chr19-17449893-C-T.
Other names: c.722C>T, p.Pro241Leu (NM_133644.4); c.731-39C>T (NM_001195422.1); c.665-39C>T (NM_001128855.3); short protein forms P241L.
Identifiers: ClinVar variation 1358491 (VCV001358491.8), dbSNP rs762412342, ClinGen allele CA9293449.

ClinVar aggregate classification (germline): Uncertain significance (1 of 4 stars; one submission).

Allele frequency attached by ClinVar (database versions not stated): gnomAD exomes below 0.00001 and 0.00001; TOPMed below 0.00001; ExAC 0.00001; gnomAD 0.00001.
gnomAD v4.1: 4 of 1,614,034 alleles (0.00025%); highest among the groups gnomAD compares: Non-Finnish European, 0.00034%; no homozygotes.

Submission:

Labcorp Genetics (formerly Invitae), Labcorp
Classification: Uncertain significance. Last evaluated: 2022-11-01. Review status: criteria provided, single submitter. Criteria: Invitae Variant Classification Sherloc (09022015). Collection method: clinical testing. Allele origin: germline.
Comment: Algorithms developed to predict the effect of missense changes on protein structure and function are either unavailable or do not agree on the potential impact of this missense change (SIFT: "Deleterious"; PolyPhen-2: "Benign"; Align-GVGD: "Class C0"). ClinVar contains an entry for this variant (Variation ID: 1358491). This variant has not been reported in the literature in individuals affected with GTPBP3-related conditions. This variant is present in population databases (rs762412342, gnomAD 0.0009%). This sequence change replaces proline, which is neutral and non-polar, with leucine, which is neutral and non-polar, at codon 241 of the GTPBP3 protein (p.Pro241Leu). In summary, the available evidence is currently insufficient to determine the role of this variant in disease. Therefore, it has been classified as a Variant of Uncertain Significance.